The following is an entry in ClinVar:

NM_001330691.3(CEP78):c.1459-14A>G

Gene: CEP78 (centrosomal protein 78; plus strand). Cytogenetic location: 9q21.2.
Variant type: single nucleotide variant.
Coding change: c.1459-14A>G on transcript NM_001330691.3 (MANE Select); 14 bases into the intron before coding-DNA position 1459, A replaced by G.
Molecular consequence: intron variant.
Genome position (GRCh38, 1-based): chr9:78,264,136, A>G. VCF-style: chr9-78264136-A-G. GRCh37 (hg19) VCF-style: chr9-80879052-A-G.
Other names: c.1462-14A>G (NM_001349839.2, NM_001349840.2, NM_001098802.3 and 1 more transcripts); c.1459-14A>G (NM_001330693.3, NM_001349838.2, NM_001330694.2).
Identifiers: ClinVar variation 1469692 (VCV001469692.7), dbSNP rs376098786, ClinGen allele CA5095274.

ClinVar aggregate classification (germline): Uncertain significance (1 of 4 stars; one submission).

Allele frequency attached by ClinVar (database versions not stated): gnomAD exomes 0.00004 and 0.00007; TOPMed 0.00004; gnomAD 0.00007; ExAC 0.00008; ESP Exome Variant Server 0.00009.
gnomAD v4.1: 104 of 1,420,462 alleles (0.0073%); highest among the groups gnomAD compares: Non-Finnish European, 0.0084%; 1 homozygote.

Submission:

Labcorp Genetics (formerly Invitae), Labcorp
Classification: Uncertain significance. Last evaluated: 2023-01-25. Review status: criteria provided, single submitter. Criteria: Invitae Variant Classification Sherloc (09022015). Collection method: clinical testing. Allele origin: germline.
Comment: In summary, the available evidence is currently insufficient to determine the role of this variant in disease. Therefore, it has been classified as a Variant of Uncertain Significance. Algorithms developed to predict the effect of sequence changes on RNA splicing suggest that this variant may disrupt the consensus splice site. ClinVar contains an entry for this variant (Variation ID: 1469692). This variant has not been reported in the literature in individuals affected with CEP78-related conditions. This variant is present in population databases (rs376098786, gnomAD 0.01%). This sequence change falls in intron 12 of the CEP78 gene. It does not directly change the encoded amino acid sequence of the CEP78 protein.